The following is an entry in ClinVar:

NM_004168.4(SDHA):c.127del (p.Ala43fs)

Gene: SDHA (succinate dehydrogenase complex flavoprotein subunit A; plus strand). Cytogenetic location: 5p15.33.
Variant type: Deletion.
Coding change: c.127del on transcript NM_004168.4 (MANE Select); coding-DNA position 127, one base deleted (G; older notation c.127delG).
Protein change: p.Ala43fs; shifts the reading frame from alanine 43.
Molecular consequence: frameshift variant.
Genome position (GRCh38, 1-based): chr5:223,545, G deleted; the last of 3 consecutive G bases (chr5:223,543-223,545); deleting any one gives the same sequence. VCF-style (leftmost placement, unchanged base first): chr5-223542-AG-A. GRCh37 (hg19) VCF-style: chr5-223657-AG-A.
Other names: c.127del, p.Ala43fs (NM_001294332.2, NM_001330758.2); short protein forms A43fs.
Identifiers: ClinVar variation 3904406 (VCV003904406.1).
Genomic context (GRCh38, chr5:223,542, plus strand): 5'-TGGCCAACAGTGTTGCAAACAGGAACCCGAGGTTTTCACTTCACTGTTGATGGGAACAAG[AG>A]GGCATCTGCTAAAGTTTCAGATTCCGTAAGTTCATGCTTTTTGTTCCATTATAAATGATT-3'

ClinVar aggregate classification (germline): Pathogenic (1 of 4 stars; one submission).

Conditions:
Pheochromocytoma/paraganglioma syndrome 5. Also called: Paragangliomas 5; SDHA-Related Hereditary Paraganglioma-Pheochromocytoma Syndrome. Identifiers: Orphanet 29072, MedGen C3279992, MONDO:0013602, OMIM 614165.

Submission:

Myriad Genetics, Inc.
Classification: Pathogenic for Pheochromocytoma/paraganglioma syndrome 5. Last evaluated: 2025-03-11. Review status: criteria provided, single submitter. Criteria: Myriad Autosomal Dominant, Autosomal Recessive and X-Linked Classification Criteria (2023). Collection method: clinical testing. Allele origin: unknown.
Comment: This variant is considered pathogenic. This variant creates a frameshift predicted to result in premature protein truncation.